The following is an entry in ClinVar:

NM_001379200.1(TBX1):c.1495T>G (p.Tyr499Asp)

Gene: TBX1 (T-box transcription factor 1; plus strand). Cytogenetic location: 22q11.21.
Variant type: single nucleotide variant.
Coding change: c.1495T>G on transcript NM_001379200.1 (MANE Select); coding-DNA position 1495, T replaced by G.
Protein change: p.Tyr499Asp; replaces tyrosine 499 with aspartic acid.
Molecular consequence: missense variant. On other transcripts: intron variant (2).
Genome position (GRCh38, 1-based): chr22:19,766,847, T>G. VCF-style: chr22-19766847-T-G. GRCh37 (hg19) VCF-style: chr22-19754370-T-G.
Other names: c.1468T>G, p.Tyr490Asp (NM_080647.1); c.1009+845T>G (NM_005992.1, NM_080646.2); short protein forms Y499D, Y490D.
Identifiers: ClinVar variation 2883128 (VCV002883128.3), dbSNP rs1334975506, ClinGen allele CA410685762.

ClinVar aggregate classification (germline): Uncertain significance (1 of 4 stars; one submission).

Conditions:
DiGeorge syndrome. Also called: Catch22; THIRD AND FOURTH PHARYNGEAL POUCH SYNDROME. Identifiers: Orphanet 567, MedGen C0012236, MONDO:0008564, OMIM 188400.

Allele frequency attached by ClinVar (database versions not stated): TOPMed below 0.00001.

Submission:

Labcorp Genetics (formerly Invitae), Labcorp
Classification: Uncertain significance for DiGeorge syndrome. Last evaluated: 2024-08-27. Review status: criteria provided, single submitter. Criteria: Invitae Variant Classification Sherloc (09022015). Collection method: clinical testing. Allele origin: germline.
Comment: This sequence change replaces tyrosine, which is neutral and polar, with aspartic acid, which is acidic and polar, at codon 490 of the TBX1 protein (p.Tyr490Asp). This variant is not present in population databases (gnomAD no frequency). This variant has not been reported in the literature in individuals affected with TBX1-related conditions. An algorithm developed to predict the effect of missense changes on protein structure and function (PolyPhen-2) suggests that this variant is likely to be disruptive. In summary, the available evidence is currently insufficient to determine the role of this variant in disease. Therefore, it has been classified as a Variant of Uncertain Significance.